The following is an entry in ClinVar:

ClinVar aggregate classification (germline): Likely benign (0 of 4 stars; one submission).

Conditions:
XIST-related disorder. Also called: XIST-related condition.

Allele frequency attached by ClinVar (database versions not stated): gnomAD 0.00063; ExAC 0.00065; 1000 Genomes Project 30x 0.00104; 1000 Genomes Project 0.00106.
gnomAD v4.1: 105 of 454,322 alleles (0.023%); highest among the groups gnomAD compares: African/African-American, 0.27%; no homozygotes.

Submission:

PreventionGenetics, part of Exact Sciences
Classification: Likely benign for XIST-related condition. Last evaluated: 2022-07-06. Review status: no assertion criteria provided. Collection method: clinical testing. Allele origin: germline.
Comment: This variant is classified as likely benign based on ACMG/AMP sequence variant interpretation guidelines (Richards et al. 2015 PMID: 25741868, with internal and published modifications).

NR_001564.3(XIST):n.2053A>C

Gene: XIST (X inactive specific transcript; minus strand). Cytogenetic location: Xq13.2.
Variant type: single nucleotide variant.
Genome position: GRCh38 VCF-style: chrX-73850662-T-G. GRCh37 (hg19) VCF-style: chrX-73070497-T-G.
Identifiers: ClinVar variation 3040467 (VCV003040467.2), dbSNP rs773872717, ClinGen allele CA10453790.